The following is an entry in ClinVar:

ClinVar aggregate classification (germline): Benign (0 of 4 stars; one submission).

Conditions:
PPP1R21-related disorder. Also called: PPP1R21-related condition.

Allele frequency attached by ClinVar (database versions not stated): gnomAD exomes 0.00216; ExAC 0.00685; ESP Exome Variant Server 0.01861; gnomAD 0.01964; TOPMed 0.02252; 1000 Genomes Project 0.02336; 1000 Genomes Project 30x 0.02405.
gnomAD v4.1: 6,280 of 1,614,020 alleles (0.39%); highest among the groups gnomAD compares: African/African-American, 6.5%; 166 homozygotes.

Submission:

PreventionGenetics, part of Exact Sciences
Classification: Benign for PPP1R21-related condition. Last evaluated: 2019-03-25. Review status: no assertion criteria provided. Collection method: clinical testing. Allele origin: germline.
Comment: This variant is classified as benign based on ACMG/AMP sequence variant interpretation guidelines (Richards et al. 2015 PMID: 25741868, with internal and published modifications).

NM_001135629.3(PPP1R21):c.243T>C (p.Ala81=)

Gene: PPP1R21 (protein phosphatase 1 regulatory subunit 21; plus strand). Cytogenetic location: 2p16.3.
Variant type: single nucleotide variant.
Coding change: c.243T>C on transcript NM_001135629.3 (MANE Select); coding-DNA position 243, T replaced by C.
Protein change: p.Ala81=; no amino-acid change (alanine 81 retained).
Molecular consequence: synonymous variant. On other transcripts: non-coding transcript variant (1).
Genome position (GRCh38, 1-based): chr2:48,454,711, T>C. VCF-style: chr2-48454711-T-C. GRCh37 (hg19) VCF-style: chr2-48681850-T-C.
Other names: c.243T>C, p.Ala81= (NM_001193475.2, NM_152994.5).
Identifiers: ClinVar variation 3038850 (VCV003038850.2), dbSNP rs148229375, ClinGen allele CA1650740.